The following is an entry in ClinVar:

NM_001378964.1(CDON):c.1553-17TC[3]

Gene: CDON (cell adhesion associated, oncogene regulated; minus strand). Cytogenetic location: 11q24.2.
Variant type: Microsatellite.
Coding change: c.1553-17TC[3] on transcript NM_001378964.1 (MANE Select); three copies in a row of the 2-base unit TC starting at c.1553-17; the reference has five copies in a row; two copies, 4 bases deleted.
Molecular consequence: intron variant.
Genome position (GRCh38, 1-based): chr11:126,006,065-126,006,068, GAGA deleted on the plus strand (TCTC on the coding strand, the reverse complement: CDON is on the minus strand); deleting any 4 consecutive bases within chr11:126,006,065-126,006,075 gives the same sequence; the position shown is the placement nearest the transcript's 3' end. VCF-style (leftmost placement, unchanged base first): chr11-126006064-GGAGA-G. GRCh37 (hg19) VCF-style: chr11-125875959-GGAGA-G.
Other names: c.1553-17TC[3] (NM_001441166.1, NM_016952.6, NM_001243597.3 and 5 more transcripts).
Identifiers: ClinVar variation 303517 (VCV000303517.32), dbSNP rs762936563, ClinGen allele CA6351998.

ClinVar aggregate classification (germline): Benign/Likely benign. Review status: criteria provided, multiple submitters, no conflicts (2 of 4 stars). 2 submissions from 2 submitters: Benign (1); Likely benign (1). Last evaluated 2024-11-13.

Conditions:
Holoprosencephaly 11 (HPE11). Identifiers: Orphanet 2162, MedGen C3280215, MONDO:0013642, OMIM 614226.

Submissions (2):

Labcorp Genetics (formerly Invitae), Labcorp
Classification: Benign for Holoprosencephaly 11. Last evaluated: 2024-11-13. Review status: criteria provided, single submitter. Criteria: Invitae Variant Classification Sherloc (09022015). Collection method: clinical testing. Allele origin: germline.

CeGaT Center for Human Genetics Tuebingen
Classification: Likely benign. Last evaluated: 2023-11-01. Review status: criteria provided, single submitter. Criteria: CeGaT Center For Human Genetics Tuebingen Variant Classification Criteria Version 2. Collection method: clinical testing. Allele origin: germline. Affected: yes. Observed: 1 variant allele.
Comment: CDON: BP4